The following is an entry in ClinVar:

ClinVar aggregate classification (germline): Pathogenic. Review status: criteria provided, multiple submitters, no conflicts (2 of 4 stars). 2 submissions from 2 submitters: Pathogenic (2). Last evaluated 2025-05-27.

Conditions:
Congenital myasthenic syndrome 8. Also called: MYASTHENIC SYNDROME, CONGENITAL, DUE TO AGRIN DEFICIENCY; Myasthenic syndrome, congenital, 8, with pre- and postsynaptic defects. Identifiers: Orphanet 590, MedGen C3808739, MONDO:0014052, OMIM 615120.
Neurodevelopmental disorder. Identifiers: MedGen C1535926, MeSH D065886, MONDO:0700092.

Allele frequency attached by ClinVar (database versions not stated): gnomAD exomes below 0.00001; gnomAD 0.00001.

Submissions (2):

Labcorp Genetics (formerly Invitae), Labcorp
Classification: Pathogenic for Congenital myasthenic syndrome 8. Last evaluated: 2025-05-27. Review status: criteria provided, single submitter. Criteria: Invitae Variant Classification Sherloc (09022015). Collection method: clinical testing. Allele origin: germline.
Comment: This sequence change replaces glycine, which is neutral and non-polar, with arginine, which is basic and polar, at codon 1582 of the AGRN protein (p.Gly1582Arg). This variant also falls at the last nucleotide of exon 26, which is part of the consensus splice site for this exon. The frequency data for this variant in the population databases is considered unreliable, as metrics indicate poor data quality at this position in the gnomAD database. This missense change has been observed in individual(s) with congenital myasthenic syndrome (PMID: 32271162; internal data). In at least one individual the data is consistent with being in trans (on the opposite chromosome) from a pathogenic variant. ClinVar contains an entry for this variant (Variation ID: 1429166). An algorithm developed to predict the effect of missense changes on protein structure and function (PolyPhen-2) suggests that this variant is likely to be disruptive. Variants that disrupt the consensus splice site are a relatively common cause of aberrant splicing (PMID: 17576681, 9536098). Studies have shown that this missense change alters mRNA splicing and is expected to lead to the loss of protein expression (PMID: 32271162). For these reasons, this variant has been classified as Pathogenic.

Laboratory of Molecular Genetics (Pr. Bezieau's lab), CHU de Nantes
Classification: Pathogenic for Neurodevelopmental disorder. Last evaluated: 2022-06-03. Review status: criteria provided, single submitter. Criteria: ACMG Guidelines, 2015. Collection method: clinical testing. Allele origin: germline. Affected: yes.

Literature cited by the submitters: PubMed 32271162 (cited by Labcorp Genetics (formerly Invitae), Labcorp); PubMed 17576681 (cited by Labcorp Genetics (formerly Invitae), Labcorp); PubMed 9536098 (cited by Labcorp Genetics (formerly Invitae), Labcorp).

NM_198576.4(AGRN):c.4744G>A (p.Gly1582Arg)

Gene: AGRN (agrin; plus strand). Cytogenetic location: 1p36.33.
Variant type: single nucleotide variant.
Coding change: c.4744G>A on transcript NM_198576.4 (MANE Select); coding-DNA position 4744, G replaced by A.
Protein change: p.Gly1582Arg; replaces glycine 1582 with arginine.
Molecular consequence: missense variant.
Genome position (GRCh38, 1-based): chr1:1,049,795, G>A. VCF-style: chr1-1049795-G-A. GRCh37 (hg19) VCF-style: chr1-985175-G-A.
Other names: c.4744G>A, p.Gly1582Arg (NM_001305275.2); c.4429G>A, p.Gly1477Arg (NM_001364727.2); short protein forms G1582R, G1477R.
Identifiers: ClinVar variation 1429166 (VCV001429166.7), dbSNP rs1367262797, ClinGen allele CA337779296.